The following is an entry in ClinVar:

NM_000038.6(APC):c.1628_1629insA (p.Ile544fs)

Gene: APC (APC regulator of Wnt signaling pathway; plus strand). Cytogenetic location: 5q22.2.
Variant type: Insertion.
Coding change: c.1628_1629insA on transcript NM_000038.6 (MANE Select); coding-DNA positions 1628 to 1629, A inserted.
Protein change: p.Ile544fs; shifts the reading frame from isoleucine 544.
Molecular consequence: frameshift variant.
Genome position: GRCh38 VCF-style: chr5-112828857-T-TA. GRCh37 (hg19) VCF-style: chr5-112164554-T-TA.
Other names: c.1628_1629insA, p.Ile544fs (NM_001127510.3, NM_001354895.2, NM_001407450.1); c.1574_1575insA, p.Ile526fs (NM_001127511.3); c.1682_1683insA, p.Ile562fs (NM_001354896.2, NM_001407447.1, NM_001407448.1 and 1 more transcripts); c.1658_1659insA, p.Ile554fs (NM_001354897.2); c.1553_1554insA, p.Ile519fs (NM_001354898.2); c.1544_1545insA, p.Ile516fs (NM_001354899.2); c.1505_1506insA, p.Ile503fs (NM_001354900.2); c.1451_1452insA, p.Ile485fs (NM_001354901.2, NM_001407453.1); and 11 more; short protein forms I160fs, I261fs, I384fs, I415fs, I418fs, I443fs, I453fs, I461fs.
Identifiers: ClinVar variation 2583975 (VCV002583975.1), dbSNP rs2533240331, ClinGen allele CA2582341383.

ClinVar aggregate classification (germline): Pathogenic (1 of 4 stars; one submission).

Conditions:
Familial adenomatous polyposis 1 (FAP1). Also called: FAMILIAL ADENOMATOUS POLYPOSIS 1, ATTENUATED; POLYPOSIS, ADENOMATOUS INTESTINAL. Identifiers: MedGen C2713442, MONDO:0021056, OMIM 175100. Disease mechanism: loss of function.

Submission:

Myriad Genetics, Inc.
Classification: Pathogenic for Familial adenomatous polyposis 1. Last evaluated: 2023-05-02. Review status: criteria provided, single submitter. Criteria: Myriad Autosomal Dominant, Autosomal Recessive and X-Linked Classification Criteria (2023). Collection method: clinical testing. Allele origin: unknown.
Comment: This variant is considered pathogenic. This variant creates a frameshift predicted to result in premature protein truncation.